The following is an entry in ClinVar:

ClinVar aggregate classification (germline): Pathogenic/Likely pathogenic. Review status: criteria provided, multiple submitters, no conflicts (2 of 4 stars). 2 submissions from 2 submitters: Pathogenic (1); Likely pathogenic (1). Last evaluated 2024-03-22.

Conditions:
Ehlers-Danlos syndrome, dermatosparaxis type. Also called: Dermatosparaxis; Ehlers-Danlos syndrome, type VII, autosomal recessive; EDS VIIC. Identifiers: Orphanet 1901, MedGen C2700425, MONDO:0009161, OMIM 225410.

Submissions (2):

Natera, Inc.
Classification: Likely pathogenic for Ehlers-Danlos syndrome type VIIC. Last evaluated: 2024-03-22. Review status: criteria provided, single submitter. Criteria: Natera Variant Classification Schema (03/2026). Collection method: clinical testing. Allele origin: germline.
Comment: The c.2372delT variant in ADAMTS2 is a frameshift variant predicted to shift the reading frame beginning at codon 791 and leads to a stop codon 40 codons downstream. This variant is expected to result in nonsense mediated decay, truncation, or a dysfunctional protein product. This variant is rare in the general population with a frequency below the threshold expected for the associated phenotype(s). Given the available evidence, this variant is classified as Likely Pathogenic.

Labcorp Genetics (formerly Invitae), Labcorp
Classification: Pathogenic for Ehlers-Danlos syndrome, dermatosparaxis type. Last evaluated: 2021-09-05. Review status: criteria provided, single submitter. Criteria: Invitae Variant Classification Sherloc (09022015). Collection method: clinical testing. Allele origin: germline.
Comment: For these reasons, this variant has been classified as Pathogenic. Algorithms developed to predict the effect of sequence changes on RNA splicing suggest that this variant may create or strengthen a splice site. This variant has not been reported in the literature in individuals affected with ADAMTS2-related conditions. This variant is not present in population databases (ExAC no frequency). This sequence change creates a premature translational stop signal (p.Met791Argfs*40) in the ADAMTS2 gene. It is expected to result in an absent or disrupted protein product. Loss-of-function variants in ADAMTS2 are known to be pathogenic (PMID: 10417273).

Literature cited by the submitters: PubMed 10417273 (cited by Labcorp Genetics (formerly Invitae), Labcorp).

NM_014244.5(ADAMTS2):c.2372del (p.Met791fs)

Gene: ADAMTS2 (ADAM metallopeptidase with thrombospondin type 1 motif 2; minus strand). Cytogenetic location: 5q35.3.
Variant type: Deletion.
Coding change: c.2372del on transcript NM_014244.5 (MANE Select); coding-DNA position 2372, one base deleted (T; older notation c.2372delT).
Protein change: p.Met791fs; shifts the reading frame from methionine 791.
Molecular consequence: frameshift variant.
Genome position (GRCh38, 1-based): chr5:179,130,017, A deleted on the plus strand (T on the coding strand, the reverse complement: ADAMTS2 is on the minus strand). VCF-style (leftmost placement, unchanged base first): chr5-179130016-CA-C. GRCh37 (hg19) VCF-style: chr5-178557017-CA-C.
Other names: c.2372delT (NM_014244.4); short protein forms M791fs.
Identifiers: ClinVar variation 1391219 (VCV001391219.7), dbSNP rs2113200198, ClinGen allele CA2573139427.
Genomic context (GRCh38, chr5:179,130,016, plus strand): 5'-GGGGCCCATGGTCTGCAGCGTCTCCCGGCCGTCCTCGTCTCTGTACTCCCACTCCACGCC[CA>C]TGGCAATGAAGGTTTTGGAACTGGCATCCACGTCATTCTCTTCATTTAAGATGAACTTGC-3'